The following is an entry in ClinVar:

ClinVar aggregate classification (germline): Uncertain significance (1 of 4 stars; one submission).

Allele frequency attached by ClinVar (database versions not stated): gnomAD exomes below 0.00001.
gnomAD v4.1: 3 of 1,579,028 alleles (0.00019%); highest among the groups gnomAD compares: Non-Finnish European, 0.00026%; no homozygotes.

Submission:

GeneDx
Classification: Uncertain significance. Last evaluated: 2022-02-03. Review status: criteria provided, single submitter. Criteria: GeneDx Variant Classification Process June 2021. Collection method: clinical testing. Allele origin: germline. Affected: yes.
Comment: Not observed at significant frequency in large population cohorts (gnomAD); In silico analysis supports that this missense variant does not alter protein structure/function; Has not been previously published as pathogenic or benign to our knowledge

NM_005689.4(ABCB6):c.832C>T (p.Leu278Phe)

Gene: ABCB6 (ATP binding cassette subfamily B member 6 (LAN blood group); minus strand). Cytogenetic location: 2q35.
Variant type: single nucleotide variant.
Coding change: c.832C>T on transcript NM_005689.4 (MANE Select); coding-DNA position 832, C replaced by T.
Protein change: p.Leu278Phe; replaces leucine 278 with phenylalanine.
Molecular consequence: missense variant.
Genome position (GRCh38, 1-based): chr2:219,216,688, G>A on the plus strand (C>T on the coding strand, the complement: ABCB6 is on the minus strand). VCF-style: chr2-219216688-G-A. GRCh37 (hg19) VCF-style: chr2-220081410-G-A.
Other names: c.694C>T, p.Leu232Phe (NM_001349828.2); short protein forms L232F, L278F.
Identifiers: ClinVar variation 1700508 (VCV001700508.2), dbSNP rs2106428703, ClinGen allele CA350640704.